The following is an entry in ClinVar:

NM_001029896.2(WDR45):c.741C>T (p.His247=)

Gene: WDR45 (WD repeat domain 45; minus strand). Cytogenetic location: Xp11.23.
Variant type: single nucleotide variant.
Coding change: c.741C>T on transcript NM_001029896.2 (MANE Select); coding-DNA position 741, C replaced by T.
Protein change: p.His247=; no amino-acid change (histidine 247 retained).
Molecular consequence: synonymous variant.
Genome position (GRCh38, 1-based): chrX:49,075,450, G>A on the plus strand (C>T on the coding strand, the complement: WDR45 is on the minus strand). VCF-style: chrX-49075450-G-A. GRCh37 (hg19) VCF-style: chrX-48933109-G-A.
Other names: c.744C>T, p.His248= (NM_007075.4).
Identifiers: ClinVar variation 3718038 (VCV003718038.2).

ClinVar aggregate classification (germline): Uncertain significance (1 of 4 stars; one submission).

Conditions:
Neurodegeneration with brain iron accumulation 5 (NBIA5). Also called: Beta-propeller protein-associated neurodegeneration; STATIC ENCEPHALOPATHY OF CHILDHOOD WITH NEURODEGENERATION IN ADULTHOOD. Identifiers: Orphanet 329284, MedGen C3550973, MONDO:0010476, OMIM 300894.

Submission:

Labcorp Genetics (formerly Invitae), Labcorp
Classification: Uncertain significance for Neurodegeneration with brain iron accumulation 5. Last evaluated: 2025-03-17. Review status: criteria provided, single submitter. Criteria: Invitae Variant Classification Sherloc (09022015). Collection method: clinical testing. Allele origin: germline.
Comment: This sequence change affects codon 248 of the WDR45 mRNA. It is a 'silent' change, meaning that it does not change the encoded amino acid sequence of the WDR45 protein. This variant is not present in population databases (gnomAD no frequency). This variant has not been reported in the literature in individuals affected with WDR45-related conditions. Algorithms developed to predict the effect of sequence changes on RNA splicing suggest that this variant may create or strengthen a splice site. In summary, the available evidence is currently insufficient to determine the role of this variant in disease. Therefore, it has been classified as a Variant of Uncertain Significance.